The following is an entry in ClinVar:

NM_000089.4(COL1A2):c.910G>A (p.Gly304Ser)

Gene: COL1A2 (collagen type I alpha 2 chain; plus strand). Cytogenetic location: 7q21.3.
Variant type: single nucleotide variant.
Coding change: c.910G>A on transcript NM_000089.4 (MANE Select); coding-DNA position 910, G replaced by A.
Protein change: p.Gly304Ser; replaces glycine 304 with serine.
Molecular consequence: missense variant.
Genome position (GRCh38, 1-based): chr7:94,409,582, G>A. VCF-style: chr7-94409582-G-A. GRCh37 (hg19) VCF-style: chr7-94038894-G-A.
Other names: short protein forms G304S.
Identifiers: ClinVar variation 870113 (VCV000870113.75), dbSNP rs1054264002, ClinGen allele CA162920010.
Genomic context (GRCh38, chr7:94,409,582, plus strand): 5'-TTCCAATTAACTGATATCCTTCTCCTTTCCTTTTCCTCATAGGGTAATCCTGGAGCAAAC[G>A]GCCTTACTGGTGCCAAGGGTGCTGCTGTGAGTATACCTGCGTAGCTAAAATGTGCTGCTA-3'
Protein context (NP_000080.2, residues 294-314): VGPPGNPGAN[Gly304Ser]LTGAKGAAGL

ClinVar aggregate classification (germline): Pathogenic/Likely pathogenic. Review status: criteria provided, multiple submitters, no conflicts (2 of 4 stars). 7 submissions from 7 submitters: Pathogenic (3); Likely pathogenic (4). Last evaluated 2025-08-26.

Conditions:
Ehlers-Danlos syndrome, classic type, 1 (EDSCL1). Also called: Ehlers-Danlos Syndrome, Classic Type, COL5A1-Related; Ehlers-Danlos syndrome, type 1; EHLERS-DANLOS SYNDROME, GRAVIS TYPE; EHLERS-DANLOS SYNDROME, SEVERE CLASSIC TYPE; EDS I. Identifiers: MedGen C0268335, MONDO:0019567, OMIM 130000.
Osteogenesis imperfecta type I (OI1). Also called: Lobstein disease; OI, TYPE I; OSTEOGENESIS IMPERFECTA TARDA; OSTEOGENESIS IMPERFECTA WITH BLUE SCLERAE; Classic Non-deforming Osteogenesis Imperfecta with Blue Sclerae; Osteogenesis imperfecta type 1. Identifiers: Orphanet 216796, Orphanet 666, MedGen C0023931, MONDO:0008146, OMIM 166200. Disease mechanism: loss of function.
Abnormality of the skeletal system. Identifiers: MedGen C4021790, HP:0000924.
COL1A2-related disorder. Also called: COL1A2-Related Disorders; COL1A2-related condition.
Cardiovascular phenotype. Identifiers: MedGen CN230736.
Osteogenesis imperfecta (OI). Identifiers: Orphanet 666, MedGen C0029434, MeSH D010013, MONDO:0019019.

Allele frequency attached by ClinVar (database versions not stated): gnomAD 0.00001; gnomAD exomes 0.00001; TOPMed 0.00001.
gnomAD v4.1: 4 of 1,614,012 alleles (0.00025%); highest among the groups gnomAD compares: Non-Finnish European, 0.000085%; no homozygotes.

Submissions (7):

GeneDx
Classification: Pathogenic. Last evaluated: 2025-08-26. Review status: criteria provided, single submitter. Criteria: GeneDx Variant Classification Process June 2021. Collection method: clinical testing. Allele origin: germline.
Comment: Occurs in the triple helical domain and replaces a glycine in a canonical Gly-X-Y repeat; missense substitution of a canonical glycine residue is expected to disrupt normal protein folding and function, and this is an established mechanism of disease (PMID: 34007986); Not observed at significant frequency in large population cohorts (gnomAD); In silico analysis supports that this missense variant has a deleterious effect on protein structure/function; Also known as Gly214Ser; This variant is associated with the following publications: (PMID: 19317096, 30886339, 34007986, 37079061, 37810882, 38374194, 38807347, Al Zubaidi2024[CaseReport])

Labcorp Genetics (formerly Invitae), Labcorp
Classification: Pathogenic for Osteogenesis imperfecta type I; Ehlers-Danlos syndrome, classic type, 1. Last evaluated: 2025-06-10. Review status: criteria provided, single submitter. Criteria: Invitae Variant Classification Sherloc (09022015). Collection method: clinical testing. Allele origin: germline.
Comment: This sequence change replaces glycine, which is neutral and non-polar, with serine, which is neutral and polar, at codon 304 of the COL1A2 protein (p.Gly304Ser). This variant is not present in population databases (gnomAD no frequency). This missense change has been observed in individual(s) with autosomal dominant osteogenesis imperfecta (PMID: 30886339). ClinVar contains an entry for this variant (Variation ID: 870113). Invitae Evidence Modeling of protein sequence and biophysical properties (such as structural, functional, and spatial information, amino acid conservation, physicochemical variation, residue mobility, and thermodynamic stability) indicates that this missense variant is expected to disrupt COL1A2 protein function with a positive predictive value of 95%. This variant disrupts the triple helix domain of COL1A2. Glycine residues within the Gly-Xaa-Yaa repeats of the triple helix domain are required for the structure and stability of fibrillar collagens (PMID: 7695699, 8218237, 19344236). In COL1A2, variants affecting these glycine residues are significantly enriched in individuals with disease (PMID: 9016532, 17078022) compared to the general population (ExAC). For these reasons, this variant has been classified as Pathogenic.

Dasa
Classification: Likely pathogenic. Last evaluated: 2024-09-25. Review status: criteria provided, single submitter. Criteria: DASA Assertion Criteria. Collection method: clinical testing. Allele origin: germline.
Comment: NM_000089.4(COL1A2):c.910G>A (p.Gly304Ser) is a missense variant that results in the substitution of glycine with serine. The affected residue or protein region has prior evidence supporting clinical relevance. This variant has been reported in individuals with COL1A2-related disorders. Published studies describe this variant in association with related phenotype (PMID: 1284477; PMID: 8218237). Also, this variant is rare in population databases. Computational evidence supports a deleterious effect. Based on the currently available evidence, this variant is classified as likely pathogenic.

Blueprint Genetics
Classification: Pathogenic for COL1A2-related disorders. Last evaluated: 2023-09-07. Review status: criteria provided, single submitter. Criteria: ACMG Guidelines, 2015. Collection method: clinical testing. Allele origin: germline. Affected: yes. Observed: 2 variant alleles.

Kariminejad - Najmabadi Pathology & Genetics Center
Classification: Likely pathogenic for Abnormality of the skeletal system. Last evaluated: 2021-07-10. Review status: criteria provided, single submitter. Criteria: ACMG Guidelines, 2015. Collection method: clinical testing. Allele origin: germline. Affected: yes.

Ambry Genetics
Classification: Likely pathogenic for Cardiovascular phenotype. Last evaluated: 2021-03-19. Review status: criteria provided, single submitter. Criteria: Ambry Variant Classification Scheme 2023. Collection method: clinical testing. Allele origin: germline.
Comment: The p.G304S variant (also known as c.910G>A), located in coding exon 18 of the COL1A2 gene, results from a G to A substitution at nucleotide position 910. The glycine at codon 304 is replaced by serine, an amino acid with similar properties, and is located in the triple helical domain. The majority of pathogenic mutations identified to date in COL1A2 have involved the substitution of another amino acid for glycine within the triple-helical domain (Dagleish R. Nucleic Acids Res. 1997 Jan 1;25(1):181-7; Marini JC et al. Hum Mutat. 2007 Mar;28(3):209-21; Bardai G et al. Osteoporos Int 2016 Dec;27(12):3607-3613). This particular glycine substitution has been detected in a cohort of patients with reported well-defined clinical diagnoses of osteogenisis imperfecta (OI), where this variant was indicated as associated with feaures of OI type I as well as possible overlapping features of Ehlers-Danlos syndrome; however, clinical details were limited (Maioli M et al. Eur J Hum Genet, 2019 07;27:1090-1100). In another study, this variant was detected in an additional proband who was also reported to have features of OI type I (Kaux JF et al. Rev Med Liege. 2009 Jan;64(1):11-5). Internal structural analysis indicates that this alteration disrupts the characteristic G-X-Y motif in the COL1A2 protein and inserts a bulky side chain into a sterically-constrained region (Bella J et al. Science. 1994;266:75-81; Hohenester E et al. Proc. Natl. Acad. Sci. U.S.A. 2008;105:18273-7; Ambry internal data). This amino acid position is highly conserved in available vertebrate species. In addition, this alteration is predicted to be deleterious by in silico analysis. Based on the majority of available evidence to date, this variant is likely to be pathogenic.

Genetics Department, Polish Mother's Memorial Hospital Research Institute
Classification: Likely pathogenic for Osteogenesis imperfecta. Last evaluated: 2020-04-06. Review status: criteria provided, single submitter. Criteria: ACMG Guidelines, 2015. Collection method: research. Allele origin: paternal. Affected: yes. Observed: 2 variant alleles.
Comment: Variant was previously described in patient with Osteogenesis imperfecta type IV.

Literature cited by the submitters: PubMed 30886339 (cited by Labcorp Genetics (formerly Invitae), Labcorp and Ambry Genetics); PubMed 7695699 (cited by Labcorp Genetics (formerly Invitae), Labcorp); PubMed 8218237 (cited by Labcorp Genetics (formerly Invitae), Labcorp and Dasa); PubMed 19344236 (cited by Labcorp Genetics (formerly Invitae), Labcorp); PubMed 9016532 (cited by Labcorp Genetics (formerly Invitae), Labcorp); PubMed 17078022 (cited by Labcorp Genetics (formerly Invitae), Labcorp); PubMed 1284477 (cited by Dasa); PubMed 19317096 (cited by Ambry Genetics).